The following is an entry in ClinVar:

NM_138576.4(BCL11B):c.653C>T (p.Pro218Leu)

Gene: BCL11B (BCL11 transcription factor B; minus strand). Cytogenetic location: 14q32.2.
Variant type: single nucleotide variant.
Coding change: c.653C>T on transcript NM_138576.4 (MANE Select); coding-DNA position 653, C replaced by T.
Protein change: p.Pro218Leu; replaces proline 218 with leucine.
Molecular consequence: missense variant.
Genome position (GRCh38, 1-based): chr14:99,176,183, G>A on the plus strand (C>T on the coding strand, the complement: BCL11B is on the minus strand). VCF-style: chr14-99176183-G-A. GRCh37 (hg19) VCF-style: chr14-99642520-G-A.
Other names: c.650C>T, p.Pro217Leu (NM_001282237.2); c.437C>T, p.Pro146Leu (NM_001282238.2); c.440C>T, p.Pro147Leu (NM_022898.3); short protein forms P146L, P147L, P217L, P218L.
Identifiers: ClinVar variation 3343221 (VCV003343221.3).

ClinVar aggregate classification (germline): Uncertain significance. Review status: criteria provided, multiple submitters, no conflicts (2 of 4 stars). 2 submissions from 2 submitters: Uncertain significance (2). Last evaluated 2025-04-28.

Submissions (2):

Labcorp Genetics (formerly Invitae), Labcorp
Classification: Uncertain significance. Last evaluated: 2025-04-28. Review status: criteria provided, single submitter. Criteria: Invitae Variant Classification Sherloc (09022015). Collection method: clinical testing. Allele origin: germline.
Comment: This sequence change replaces proline, which is neutral and non-polar, with leucine, which is neutral and non-polar, at codon 218 of the BCL11B protein (p.Pro218Leu). This variant is not present in population databases (gnomAD no frequency). This variant has not been reported in the literature in individuals affected with BCL11B-related conditions. ClinVar contains an entry for this variant (Variation ID: 3343221). Invitae Evidence Modeling of protein sequence and biophysical properties (such as structural, functional, and spatial information, amino acid conservation, physicochemical variation, residue mobility, and thermodynamic stability) indicates that this missense variant is expected to disrupt BCL11B protein function with a positive predictive value of 95%. In summary, the available evidence is currently insufficient to determine the role of this variant in disease. Therefore, it has been classified as a Variant of Uncertain Significance.

GeneDx
Classification: Uncertain significance. Last evaluated: 2024-10-03. Review status: criteria provided, single submitter. Criteria: GeneDx Variant Classification Process June 2021. Collection method: clinical testing. Allele origin: germline.
Comment: Not observed at significant frequency in large population cohorts (gnomAD); In silico analysis supports that this missense variant has a deleterious effect on protein structure/function; Has not been previously published as pathogenic or benign to our knowledge